The following is an entry in ClinVar:

NM_001127222.2(CACNA1A):c.4720A>G (p.Met1574Val)

Gene: CACNA1A (calcium voltage-gated channel subunit alpha1 A; minus strand). Cytogenetic location: 19p13.13.
Variant type: single nucleotide variant.
Coding change: c.4720A>G on transcript NM_001127222.2 (MANE Select); coding-DNA position 4720, A replaced by G.
Protein change: p.Met1574Val; replaces methionine 1574 with valine.
Molecular consequence: missense variant.
Genome position (GRCh38, 1-based): chr19:13,255,130, T>C on the plus strand (A>G on the coding strand, the complement: CACNA1A is on the minus strand). VCF-style: chr19-13255130-T-C. GRCh37 (hg19) VCF-style: chr19-13365944-T-C.
Other names: c.4732A>G, p.Met1578Val (NM_000068.4, NM_023035.3); c.4723A>G, p.Met1575Val (NM_001127221.2, NM_001174080.2); short protein forms M1575V, M1574V, M1578V.
Identifiers: ClinVar variation 476261 (VCV000476261.9), dbSNP rs1555743201, ClinGen allele CA404338394.
Genomic context (GRCh38, chr19:13,255,130, plus strand): 5'-CTGGGGGCTGGTGTGGGGCACTTACCTTCATCATAAGCACGATGGTGTTGAGGGCGATCA[T>C]GGCCATGATCGTGTACTCGAAAGGCGGAGACACCACGAACTGCCACATGCGGTACTGGAA-3'
Protein context (NP_001120694.1, residues 1564-1584): SPPFEYTIMA[Met1574Val]IALNTIVLMM

ClinVar aggregate classification (germline): Uncertain significance (1 of 4 stars; one submission).

Conditions:
Developmental and epileptic encephalopathy, 42 (DEE42A). Also called: DEVELOPMENTAL AND EPILEPTIC ENCEPHALOPATHY 42A; EPILEPTIC ENCEPHALOPATHY, EARLY INFANTILE, 42A; Epileptic encephalopathy, early infantile, 42. Identifiers: MedGen C4310716, MONDO:0014917, OMIM 617106.
Episodic ataxia type 2 (EA2). Also called: ACETAZOLAMIDE-RESPONSIVE HEREDITARY PAROXYSMAL CEREBELLAR ATAXIA; ATAXIA, EPISODIC, WITH NYSTAGMUS; ATAXIA, FAMILIAL PAROXYSMAL; CEREBELLAR ATAXIA, PAROXYSMAL, ACETAZOLAMIDE-RESPONSIVE; CEREBELLOPATHY, HEREDITARY PAROXYSMAL; EPISODIC ATAXIA, NYSTAGMUS-ASSOCIATED. Identifiers: Orphanet 97, MedGen C1720416, MONDO:0007163, OMIM 108500.

Submission:

Labcorp Genetics (formerly Invitae), Labcorp
Classification: Uncertain significance for Developmental and epileptic encephalopathy, 42; Episodic ataxia type 2. Last evaluated: 2020-12-10. Review status: criteria provided, single submitter. Criteria: Invitae Variant Classification Sherloc (09022015). Collection method: clinical testing. Allele origin: germline.
Comment: In summary, the available evidence is currently insufficient to determine the role of this variant in disease. Therefore, it has been classified as a Variant of Uncertain Significance. Advanced modeling of protein sequence and biophysical properties (such as structural, functional, and spatial information, amino acid conservation, physicochemical variation, residue mobility, and thermodynamic stability) performed at Invitae indicates that this missense variant is not expected to disrupt CACNA1A protein function. This variant has not been reported in the literature in individuals with CACNA1A-related conditions. ClinVar contains an entry for this variant (Variation ID: 476261). This variant is not present in population databases (ExAC no frequency). This sequence change replaces methionine with valine at codon 1575 of the CACNA1A protein (p.Met1575Val). The methionine residue is moderately conserved and there is a small physicochemical difference between methionine and valine.